The following is an entry in ClinVar:

NM_001393662.1(VCX):c.423_452del (p.Gln149_Ser158del)

Gene: VCX (variable charge X-linked; plus strand). Cytogenetic location: Xp22.31.
Variant type: Deletion.
Coding change: c.423_452del on transcript NM_001393662.1 (MANE Select); coding-DNA positions 423 to 452, 30 bases deleted (AGAACCACTGAGTCAGGAGAGCCAGGTGGA).
Protein change: p.Gln149_Ser158del.
Molecular consequence: inframe deletion.
Genome position (GRCh38, 1-based): chrX:7,843,818-7,843,847, AGAACCACTGAGTCAGGAGAGCCAGGTGGA deleted; deleting any 30 consecutive bases within chrX:7,843,811-7,843,847 gives the same sequence; the c. name uses the placement nearest the transcript's 3' end. VCF-style (leftmost placement, unchanged base first): chrX-7843810-GAGGTGGAAGAACCACTGAGTCAGGAGAGCC-G. GRCh37 (hg19) VCF-style: chrX-7811851-GAGGTGGAAGAACCACTGAGTCAGGAGAGCC-G.
Other names: c.423_452del, p.Gln149_Ser158del (NM_013452.3).
Identifiers: ClinVar variation 4821600 (VCV004821600.4).

ClinVar aggregate classification (germline): Likely benign (1 of 4 stars; one submission).

Submission:

CeGaT Center for Human Genetics Tuebingen
Classification: Likely benign. Last evaluated: 2026-02-01. Review status: criteria provided, single submitter. Criteria: CeGaT Center For Human Genetics Tuebingen Variant Classification Criteria Version 2. Collection method: clinical testing. Allele origin: germline. Affected: yes. Observed: 1 variant allele.
Comment: VCX: PM4, BS2